The following is an entry in ClinVar:

NM_006231.4(POLE):c.301A>G (p.Lys101Glu)

Gene: POLE (DNA polymerase epsilon, catalytic subunit; minus strand). Cytogenetic location: 12q24.33.
Variant type: single nucleotide variant.
Coding change: c.301A>G on transcript NM_006231.4 (MANE Select); coding-DNA position 301, A replaced by G.
Protein change: p.Lys101Glu; replaces lysine 101 with glutamic acid.
Molecular consequence: missense variant.
Genome position (GRCh38, 1-based): chr12:132,680,207, T>C on the plus strand (A>G on the coding strand, the complement: POLE is on the minus strand). VCF-style: chr12-132680207-T-C. GRCh37 (hg19) VCF-style: chr12-133256793-T-C.
Other names: c.301A>G (NM_006231.2); short protein forms K101E.
Identifiers: ClinVar variation 405729 (VCV000405729.12), dbSNP rs560654523, ClinGen allele CA6894368.

ClinVar aggregate classification (germline): Uncertain significance. Review status: criteria provided, multiple submitters, no conflicts (2 of 4 stars). 3 submissions from 3 submitters: Uncertain significance (3). Last evaluated 2025-12-08.

Conditions:
Hereditary cancer-predisposing syndrome. Also called: Hereditary Cancer Syndrome; Hereditary neoplastic syndrome; Neoplastic Syndromes, Hereditary; Tumor predisposition. Identifiers: Orphanet 140162, MedGen C0027672, MeSH D009386, MONDO:0015356.
Facial dysmorphism-immunodeficiency-livedo-short stature syndrome. Also called: Facial dysmorphism, immunodeficiency, livedo, and short stature; FILS syndrome. Identifiers: Orphanet 352712, MedGen C3554576, MONDO:0014058, OMIM 615139.
Colorectal cancer, susceptibility to, 12 (CRCS12). Also called: COLORECTAL CANCER, SUSCEPTIBILITY TO, ON CHROMOSOME 12q24. Identifiers: Orphanet 220460, MedGen C3554460, MONDO:0014038, OMIM 615083.
Intrauterine growth retardation, metaphyseal dysplasia, adrenal hypoplasia congenita, genital anomalies, and immunodeficiency. Also called: IMAGEI SYNDROME. Identifiers: MedGen C5193036, MONDO:0032684, OMIM 618336.

Allele frequency attached by ClinVar (database versions not stated): gnomAD exomes 0.00001 and 0.00005; TOPMed 0.00002; gnomAD 0.00003; ExAC 0.00007; 1000 Genomes Project 30x 0.00016; 1000 Genomes Project 0.00020.

Submissions (3):

Labcorp Genetics (formerly Invitae), Labcorp
Classification: Uncertain significance. Last evaluated: 2025-12-08. Review status: criteria provided, single submitter. Criteria: Invitae Variant Classification Sherloc (09022015). Collection method: clinical testing. Allele origin: germline.
Comment: This sequence change replaces lysine, which is basic and polar, with glutamic acid, which is acidic and polar, at codon 101 of the POLE protein (p.Lys101Glu). This variant is present in population databases (rs560654523, gnomAD 0.07%). This variant has not been reported in the literature in individuals affected with POLE-related conditions. ClinVar contains an entry for this variant (Variation ID: 405729). Invitae Evidence Modeling of protein sequence and biophysical properties (such as structural, functional, and spatial information, amino acid conservation, physicochemical variation, residue mobility, and thermodynamic stability) indicates that this missense variant is not expected to disrupt POLE protein function with a negative predictive value of 80%. In summary, the available evidence is currently insufficient to determine the role of this variant in disease. Therefore, it has been classified as a Variant of Uncertain Significance.

Ambry Genetics
Classification: Uncertain significance for Hereditary cancer-predisposing syndrome. Last evaluated: 2025-02-26. Review status: criteria provided, single submitter. Criteria: Ambry Variant Classification Scheme 2023. Collection method: clinical testing. Allele origin: germline.
Comment: The p.K101E variant (also known as c.301A>G), located in coding exon 4 of the POLE gene, results from an A to G substitution at nucleotide position 301. The lysine at codon 101 is replaced by glutamic acid, an amino acid with similar properties. This amino acid position is well conserved in available vertebrate species. In addition, this alteration is predicted to be tolerated by in silico analysis. Based on the available evidence, the clinical significance of this variant remains unclear.

Fulgent Genetics
Classification: Uncertain significance for Colorectal cancer, susceptibility to, 12; Facial dysmorphism-immunodeficiency-livedo-short stature syndrome; Intrauterine growth retardation, metaphyseal dysplasia, adrenal hypoplasia congenita, genital anomalies, and immunodeficiency. Last evaluated: 2024-02-15. Review status: criteria provided, single submitter. Criteria: ACMG Guidelines, 2015. Collection method: clinical testing. Allele origin: germline.